The following is an entry in ClinVar:

NM_006267.5(RANBP2):c.1717G>C (p.Ala573Pro)

Gene: RANBP2 (RAN binding protein 2; plus strand). Cytogenetic location: 2q13.
Variant type: single nucleotide variant.
Coding change: c.1717G>C on transcript NM_006267.5 (MANE Select); coding-DNA position 1717, G replaced by C.
Protein change: p.Ala573Pro; replaces alanine 573 with proline.
Molecular consequence: missense variant.
Genome position (GRCh38, 1-based): chr2:108,751,956, G>C. VCF-style: chr2-108751956-G-C. GRCh37 (hg19) VCF-style: chr2-109368412-G-C.
Other names: c.1717G>C, p.Ala573Pro (NM_001415871.1, NM_001415873.1); c.1714G>C, p.Ala572Pro (NM_001415872.1); short protein forms A573P, A572P.
Identifiers: ClinVar variation 2824991 (VCV002824991.3), dbSNP rs1410658120, ClinGen allele CA348050339.

ClinVar aggregate classification (germline): Uncertain significance (1 of 4 stars; one submission).

Conditions:
Familial acute necrotizing encephalopathy (IIAE3). Also called: ENCEPHALOPATHY, ACUTE, INFECTION-INDUCED, SUSCEPTIBILITY TO, 3; Susceptibility to Acute Necrotizing Encephalopathy 1. Identifiers: Orphanet 88619, MedGen C2675556, MONDO:0011953, OMIM 608033.

gnomAD v4.1: 2 of 1,611,900 alleles (0.00012%); highest among the groups gnomAD compares: Non-Finnish European, 0.00017%; no homozygotes.

Submission:

Labcorp Genetics (formerly Invitae), Labcorp
Classification: Uncertain significance for Familial acute necrotizing encephalopathy. Last evaluated: 2022-12-30. Review status: criteria provided, single submitter. Criteria: Invitae Variant Classification Sherloc (09022015). Collection method: clinical testing. Allele origin: germline.
Comment: In summary, the available evidence is currently insufficient to determine the role of this variant in disease. Therefore, it has been classified as a Variant of Uncertain Significance. Algorithms developed to predict the effect of missense changes on protein structure and function are either unavailable or do not agree on the potential impact of this missense change (SIFT: "Deleterious"; PolyPhen-2: "Benign"; Align-GVGD: "Class C25"). This variant has not been reported in the literature in individuals affected with RANBP2-related conditions. This variant is not present in population databases (gnomAD no frequency). This sequence change replaces alanine, which is neutral and non-polar, with proline, which is neutral and non-polar, at codon 573 of the RANBP2 protein (p.Ala573Pro).